The following is an entry in ClinVar:

ClinVar aggregate classification (germline): Uncertain significance (1 of 4 stars; one submission).

gnomAD v4.1: 1 of 1,560,482 alleles (0.000064%); highest among the groups gnomAD compares: Admixed American, 0.0019%; no homozygotes.

Submission:

CeGaT Center for Human Genetics Tuebingen
Classification: Uncertain significance. Last evaluated: 2026-04-01. Review status: criteria provided, single submitter. Criteria: CeGaT Center For Human Genetics Tuebingen Variant Classification Criteria Version 2. Collection method: clinical testing. Allele origin: germline. Affected: yes. Observed: 1 variant allele.
Comment: COL9A3: PM2, PP3

NM_001853.4(COL9A3):c.686G>C (p.Gly229Ala)

Gene: COL9A3 (collagen type IX alpha 3 chain; plus strand). Cytogenetic location: 20q13.33.
Variant type: single nucleotide variant.
Coding change: c.686G>C on transcript NM_001853.4 (MANE Select); coding-DNA position 686, G replaced by C.
Protein change: p.Gly229Ala; replaces glycine 229 with alanine.
Molecular consequence: missense variant.
Genome position (GRCh38, 1-based): chr20:62,826,205, G>C. VCF-style: chr20-62826205-G-C. GRCh37 (hg19) VCF-style: chr20-61457557-G-C.
Other names: short protein forms G229A.
Identifiers: ClinVar variation 4874413 (VCV004874413.2).